The following is an entry in ClinVar:

NM_001378452.1(ITPR1):c.5799A>G (p.Lys1933=)

Gene: ITPR1 (inositol 1,4,5-trisphosphate receptor type 1; plus strand). Cytogenetic location: 3p26.1.
Variant type: single nucleotide variant.
Coding change: c.5799A>G on transcript NM_001378452.1 (MANE Select); coding-DNA position 5799, A replaced by G.
Protein change: p.Lys1933=; no amino-acid change (lysine 1933 retained).
Molecular consequence: synonymous variant.
Genome position (GRCh38, 1-based): chr3:4,768,584, A>G. VCF-style: chr3-4768584-A-G. GRCh37 (hg19) VCF-style: chr3-4810268-A-G.
Other names: c.5610A>G (NM_002222.5); c.5655A>G, p.Lys1885= (NM_001099952.4); c.5754A>G, p.Lys1918= (NM_001168272.2); c.5610A>G, p.Lys1870= (NM_002222.7).
Identifiers: ClinVar variation 1970761 (VCV001970761.6), dbSNP rs369478428, ClinGen allele CA2232427.

ClinVar aggregate classification (germline): Likely benign. Review status: criteria provided, multiple submitters, no conflicts (2 of 4 stars). 2 submissions from 2 submitters: Likely benign (2). Last evaluated 2026-06-09.

Conditions:
ITPR1-related disorder. Also called: ITPR1-related condition.

Allele frequency attached by ClinVar (database versions not stated): gnomAD exomes below 0.00001; ExAC 0.00001; gnomAD 0.00001; TOPMed 0.00006; ESP Exome Variant Server 0.00008.
gnomAD v4.1: 8 of 1,613,892 alleles (0.0005%); highest among the groups gnomAD compares: African/African-American, 0.0093%; no homozygotes.

Submissions (2):

PreventionGenetics, part of Exact Sciences
Classification: Likely benign for ITPR1-related condition. Last evaluated: 2026-06-09. Review status: criteria provided, single submitter. Criteria: ACMG Guidelines, 2015. Collection method: clinical testing. Allele origin: germline.
Comment: This variant is classified as likely benign based on ACMG/AMP sequence variant interpretation guidelines (Richards et al. 2015 PMID: 25741868, with internal and published modifications).

Labcorp Genetics (formerly Invitae), Labcorp
Classification: Likely benign. Last evaluated: 2023-01-15. Review status: criteria provided, single submitter. Criteria: Invitae Variant Classification Sherloc (09022015). Collection method: clinical testing. Allele origin: germline.